The following is an entry in ClinVar:

NM_018082.6(POLR3B):c.847-2A>C

Gene: POLR3B (RNA polymerase III subunit B; plus strand). Cytogenetic location: 12q23.3.
Variant type: single nucleotide variant.
Coding change: c.847-2A>C on transcript NM_018082.6 (MANE Select); the canonical splice acceptor site of the intron before coding-DNA position 847, A replaced by C.
Molecular consequence: splice acceptor variant.
Genome position (GRCh38, 1-based): chr12:106,405,855, A>C. VCF-style: chr12-106405855-A-C. GRCh37 (hg19) VCF-style: chr12-106799633-A-C.
Other names: c.673-2A>C (NM_001160708.2).
Identifiers: ClinVar variation 3338027 (VCV003338027.2).
Genomic context (GRCh38, chr12:106,405,855, plus strand): 5'-GGTGCTTGCTAAACTACCTCCAGTGATGTCATTCAAACATTATTGTAATCTGTTTTTTAT[A>C]GGCATTAAAATATATAGGGAACAAAGTAAGAAGGCAAAGGATGTGGGGAGGTGGACCAAA-3'

ClinVar aggregate classification (germline): Likely pathogenic (1 of 4 stars; one submission).

Conditions:
Charcot-Marie-Tooth disease, demyelinating, IIA 1I. Also called: CHARCOT-MARIE-TOOTH NEUROPATHY, TYPE 1I; Charcot-Marie-Tooth disease, demyelinating, type 1I. Identifiers: MedGen C5676914, MONDO:0030677, OMIM 619742.

Submission:

Molecular Diagnostics Lab, Nemours Children's Health, Delaware
Classification: Likely pathogenic for Charcot-Marie-Tooth disease, demyelinating, IIA 1I. Last evaluated: 2020-12-23. Review status: criteria provided, single submitter. Criteria: ACMG Guidelines, 2015. Collection method: clinical testing. Allele origin: unknown. Inheritance: Autosomal recessive inheritance. Affected: yes. Observed: 2 compound heterozygotes. Clinical features observed: Delayed speech and language development (HP:0000750), Abnormality of bone mineral density (HP:0004348), Oligodontia (HP:0000677), Spasticity (HP:0001257), Hyperreflexia (HP:0001347).
Comment: This variant (c.847-2A>C) predicts splice alteration, and has not been observed in population databases (gnomAD) or reported in the literature.